The following is an entry in ClinVar:

NM_004667.6(HERC2):c.7776C>T (p.Gly2592=)

Gene: HERC2 (HECT and RLD domain containing E3 ubiquitin protein ligase 2; minus strand). Cytogenetic location: 15q13.1.
Variant type: single nucleotide variant.
Coding change: c.7776C>T on transcript NM_004667.6 (MANE Select); coding-DNA position 7776, C replaced by T.
Protein change: p.Gly2592=; no amino-acid change (glycine 2592 retained).
Molecular consequence: synonymous variant.
Genome position (GRCh38, 1-based): chr15:28,198,710, G>A on the plus strand (C>T on the coding strand, the complement: HERC2 is on the minus strand). VCF-style: chr15-28198710-G-A. GRCh37 (hg19) VCF-style: chr15-28443856-G-A.
Identifiers: ClinVar variation 4874632 (VCV004874632.2).

ClinVar aggregate classification (germline): Likely benign (1 of 4 stars; one submission).

gnomAD v4.1: 1 of 1,614,040 alleles (0.000062%); highest among the groups gnomAD compares: Non-Finnish European, 0.000085%; no homozygotes.

Submission:

CeGaT Center for Human Genetics Tuebingen
Classification: Likely benign. Last evaluated: 2026-04-01. Review status: criteria provided, single submitter. Criteria: CeGaT Center For Human Genetics Tuebingen Variant Classification Criteria Version 2. Collection method: clinical testing. Allele origin: germline. Affected: yes. Observed: 1 variant allele.
Comment: HERC2: BP4, BP7